The following is an entry in ClinVar:

NM_058216.3(RAD51C):c.1091G>A (p.Ser364Asn)

Gene: RAD51C (RAD51 paralog C; plus strand). Cytogenetic location: 17q22.
Variant type: single nucleotide variant.
Coding change: c.1091G>A on transcript NM_058216.3 (MANE Select); coding-DNA position 1091, G replaced by A.
Protein change: p.Ser364Asn; replaces serine 364 with asparagine.
Molecular consequence: missense variant. On other transcripts: non-coding transcript variant (1).
Genome position (GRCh38, 1-based): chr17:58,734,182, G>A. VCF-style: chr17-58734182-G-A. GRCh37 (hg19) VCF-style: chr17-56811543-G-A.
Other names: c.*519G>A (NM_058217.1); short protein forms S364N.
Identifiers: ClinVar variation 2818083 (VCV002818083.3), dbSNP rs2144062112, ClinGen allele CA400366412.

ClinVar aggregate classification (germline): Uncertain significance (1 of 4 stars; one submission).

Conditions:
Fanconi anemia complementation group O. Also called: RAD51C-Related Fanconi Anemia. Identifiers: Orphanet 84, MedGen C3150653, MONDO:0013248, OMIM 613390.

Submission:

Labcorp Genetics (formerly Invitae), Labcorp
Classification: Uncertain significance for Fanconi anemia complementation group O. Last evaluated: 2023-11-13. Review status: criteria provided, single submitter. Criteria: Invitae Variant Classification Sherloc (09022015). Collection method: clinical testing. Allele origin: germline.
Comment: This sequence change replaces serine, which is neutral and polar, with asparagine, which is neutral and polar, at codon 364 of the RAD51C protein (p.Ser364Asn). This variant is not present in population databases (gnomAD no frequency). This variant has not been reported in the literature in individuals affected with RAD51C-related conditions. Algorithms developed to predict the effect of missense changes on protein structure and function output the following: SIFT: "Not Available"; PolyPhen-2: "Benign"; Align-GVGD: "Not Available". The asparagine amino acid residue is found in multiple mammalian species, which suggests that this missense change does not adversely affect protein function. In summary, the available evidence is currently insufficient to determine the role of this variant in disease. Therefore, it has been classified as a Variant of Uncertain Significance.